The following is an entry in ClinVar:

NM_030753.5(WNT3):c.464G>C (p.Trp155Ser)

Genes: LRRC37A2 (leucine rich repeat containing 37 member A2), WNT3 (Wnt family member 3; minus strand). Cytogenetic location: 17q21.31.
Variant type: single nucleotide variant.
Coding change: c.464G>C on transcript NM_030753.5 (MANE Select); coding-DNA position 464, G replaced by C.
Protein change: p.Trp155Ser; replaces tryptophan 155 with serine.
Molecular consequence: missense variant.
Genome position (GRCh38, 1-based): chr17:46,769,907, C>G on the plus strand (G>C on the coding strand, the complement: WNT3 is on the minus strand). VCF-style: chr17-46769907-C-G. GRCh37 (hg19) VCF-style: chr17-44847273-C-G.
Other names: short protein forms W155S.
Identifiers: ClinVar variation 2034308 (VCV002034308.4), dbSNP rs2545983917, ClinGen allele CA400010825.

ClinVar aggregate classification (germline): Uncertain significance (1 of 4 stars; one submission).

Submission:

Labcorp Genetics (formerly Invitae), Labcorp
Classification: Uncertain significance. Last evaluated: 2022-10-06. Review status: criteria provided, single submitter. Criteria: Invitae Variant Classification Sherloc (09022015). Collection method: clinical testing. Allele origin: germline.
Comment: This variant has not been reported in the literature in individuals affected with WNT3-related conditions. This variant is not present in population databases (gnomAD no frequency). This sequence change replaces tryptophan, which is neutral and slightly polar, with serine, which is neutral and polar, at codon 155 of the WNT3 protein (p.Trp155Ser). Advanced modeling of protein sequence and biophysical properties (such as structural, functional, and spatial information, amino acid conservation, physicochemical variation, residue mobility, and thermodynamic stability) performed at Invitae indicates that this missense variant is expected to disrupt WNT3 protein function. In summary, the available evidence is currently insufficient to determine the role of this variant in disease. Therefore, it has been classified as a Variant of Uncertain Significance.